The following is an entry in ClinVar:

NM_001323289.2(CDKL5):c.350A>G (p.Tyr117Cys)

Gene: CDKL5 (cyclin dependent kinase like 5; plus strand). Cytogenetic location: Xp22.13.
Variant type: single nucleotide variant.
Coding change: c.350A>G on transcript NM_001323289.2 (MANE Select); coding-DNA position 350, A replaced by G.
Protein change: p.Tyr117Cys; replaces tyrosine 117 with cysteine.
Molecular consequence: missense variant.
Genome position (GRCh38, 1-based): chrX:18,579,915, A>G. VCF-style: chrX-18579915-A-G. GRCh37 (hg19) VCF-style: chrX-18598035-A-G.
Other names: NM_001323289.2(CDKL5):c.350A>G; p.Tyr117Cys; c.350A>G, p.Tyr117Cys (NM_001037343.2, NM_003159.3); short protein forms Y117C.
Identifiers: ClinVar variation 432427 (VCV000432427.13), dbSNP rs1189749755, ClinGen allele CA412350143.
Genomic context (GRCh38, chrX:18,579,915, plus strand): 5'-TCGAATTGCTGGAAGAAATGCCAAATGGAGTTCCACCTGAGAAAGTAAAAAGCTACATCT[A>G]TCAGCTAATCAAGGCTATTCACTGGTGCCATAAGAATGATATTGTCCATCGAGGTGAGTA-3'
Protein context (NP_001310218.1, residues 107-127): VPPEKVKSYI[Tyr117Cys]QLIKAIHWCH

ClinVar aggregate classification (germline): Benign. Review status: reviewed by expert panel (3 of 4 stars). 3 submissions from 3 submitters: Benign (1). 2 of the submissions do not count toward it. Last evaluated 2025-10-28.

Conditions:
CDKL5 disorder. Identifiers: MedGen CN296942, MONDO:0100039.
Developmental and epileptic encephalopathy, 2 (DEE2). Also called: INFANTILE SPASM SYNDROME, X-LINKED 2; CDKL5 deficiency disorder. Identifiers: Orphanet 1934, Orphanet 3451, Orphanet 505652, MedGen C4750718, MONDO:0010396, OMIM 300672.
Angelman syndrome-like. Identifiers: MedGen CN128785.

Allele frequency attached by ClinVar (database versions not stated): gnomAD exomes below 0.00001; TOPMed below 0.00001; gnomAD 0.00005.
gnomAD v4.1: 1 of 1,198,427 alleles (0.000083%); no homozygotes.

Submissions (3):

ClinGen Rett and Angelman-like Disorders Variant Curation Expert Panel
Classification: Benign for CDKL5 disorder. Last evaluated: 2025-10-28. Review status: reviewed by expert panel. Criteria: ClinGen RettAS ACMG Specifications CDKL5 V5.0.0. Collection method: curation. Allele origin: germline. Inheritance: X-linked inheritance.
Comment: The highest population minor allele frequency of the p.Tyr117Cys variant in CDKL5 in gnomAD v4.1.0 is 0.00002133 in European (Finnish) population, which is higher than the ClinGen Rett and Angelman-like Disorders VCEP threshold (≥0.0000083) for BS1, and therefore meets this criterion (BS1). The p.Tyr117Cys variant is observed in at least 2 unaffected individuals (internal database - GeneDx) (BS2). The p.Tyr117Cys variant in CDKL5 has been reported as a de novo occurrence (biological parentage confirmed) in an individual with features inconsistent with CDKL5 disorder and with an alternate molecular basis of disease (internal database - GeneDx) (PS2 not met, BP5 not met). In summary, the p.Tyr117Cys variant in CDKL5 is classified as Benign based on the ACMG/AMP criteria (BS1, BS2). (CDKL5 Specifications v5.0.0; curation approved on 10/28/2025).

Labcorp Genetics (formerly Invitae), Labcorp
Classification: Uncertain significance for Developmental and epileptic encephalopathy, 2; Angelman syndrome-like. Last evaluated: 2018-12-29. Review status: criteria provided, single submitter. Criteria: Invitae Variant Classification Sherloc (09022015). Collection method: clinical testing. Allele origin: germline. Not counted in ClinVar's aggregate classification.
Comment: In summary, the available evidence is currently insufficient to determine the role of this variant in disease. Therefore, it has been classified as a Variant of Uncertain Significance. Algorithms developed to predict the effect of missense changes on protein structure and function (SIFT, PolyPhen-2, Align-GVGD) all suggest that this variant is likely to be disruptive, but these predictions have not been confirmed by published functional studies and their clinical significance is uncertain. This sequence change replaces tyrosine with cysteine at codon 117 of the CDKL5 protein (p.Tyr117Cys). The tyrosine residue is highly conserved and there is a large physicochemical difference between tyrosine and cysteine. This variant is not present in population databases (ExAC no frequency). This variant has not been reported in the literature in individuals with CDKL5-related conditions. ClinVar contains an entry for this variant (Variation ID: 432427).

GeneDx
Classification: Likely pathogenic. Last evaluated: 2017-06-07. Review status: criteria provided, single submitter. Criteria: GeneDx Variant Classification (06012015). Collection method: clinical testing. Allele origin: germline. Affected: yes. Not counted in ClinVar's aggregate classification.
Comment: The Y117C variant in the CDKL5 gene has not been reported previously as a pathogenic variant, nor as a benign variant, to our knowledge. The Y117C variant is not observed in large population cohorts (Lek et al., 2016; 1000 Genomes Consortium et al., 2015; Exome Variant Server). The Y117C variant is a non-conservative amino acid substitution, which occurs at a position that is conserved across species. In silico analysis predicts this variant is probably damaging to the protein structure/function.We interpret Y117C as a likely pathogenic variant